The following is an entry in ClinVar:

NM_002047.4(GARS1):c.1745G>A (p.Gly582Asp)

Gene: GARS1 (glycyl-tRNA synthetase 1; plus strand). Cytogenetic location: 7p14.3.
Variant type: single nucleotide variant.
Coding change: c.1745G>A on transcript NM_002047.4 (MANE Select); coding-DNA position 1745, G replaced by A.
Protein change: p.Gly582Asp; replaces glycine 582 with aspartic acid.
Molecular consequence: missense variant.
Genome position (GRCh38, 1-based): chr7:30,628,605, G>A. VCF-style: chr7-30628605-G-A. GRCh37 (hg19) VCF-style: chr7-30668221-G-A.
Other names: c.1745G>A (NM_002047.2); c.1583G>A, p.Gly528Asp (NM_001316772.1); short protein forms G528D, G582D.
Identifiers: ClinVar variation 1680948 (VCV001680948.9), dbSNP rs2128135873, ClinGen allele CA367129590.

ClinVar aggregate classification (germline): Uncertain significance. Review status: criteria provided, multiple submitters, no conflicts (2 of 4 stars). 2 submissions from 2 submitters: Uncertain significance (2). Last evaluated 2025-03-05.

Conditions:
Charcot-Marie-Tooth disease type 2. Also called: Charcot-Marie-Tooth type 2. Identifiers: Orphanet 64746, MedGen C0270914, MONDO:0018993.

gnomAD v4.1: 4 of 1,613,134 alleles (0.00025%); highest among the groups gnomAD compares: Non-Finnish European, 0.00034%; no homozygotes.

Submissions (2):

Ambry Genetics
Classification: Uncertain significance. Last evaluated: 2025-03-05. Review status: criteria provided, single submitter. Criteria: Ambry Variant Classification Scheme 2023. Collection method: clinical testing. Allele origin: germline.

Labcorp Genetics (formerly Invitae), Labcorp
Classification: Uncertain significance for Charcot-Marie-Tooth disease type 2. Last evaluated: 2021-06-10. Review status: criteria provided, single submitter. Criteria: Invitae Variant Classification Sherloc (09022015). Collection method: clinical testing. Allele origin: germline.
Comment: In summary, the available evidence is currently insufficient to determine the role of this variant in disease. Therefore, it has been classified as a Variant of Uncertain Significance. Algorithms developed to predict the effect of missense changes on protein structure and function (SIFT, PolyPhen-2, Align-GVGD) all suggest that this variant is likely to be disruptive, but these predictions have not been confirmed by published functional studies and their clinical significance is uncertain. This variant has not been reported in the literature in individuals with GARS-related conditions. This variant is not present in population databases (ExAC no frequency). This sequence change replaces glycine with aspartic acid at codon 582 of the GARS protein (p.Gly582Asp). The glycine residue is highly conserved and there is a moderate physicochemical difference between glycine and aspartic acid.